The following is an entry in ClinVar:

ClinVar aggregate classification (germline): Uncertain significance (1 of 4 stars; one submission).

Conditions:
Hereditary cancer-predisposing syndrome. Also called: Neoplastic Syndromes, Hereditary; Hereditary Cancer Syndrome; Hereditary neoplastic syndrome; Tumor predisposition. Identifiers: Orphanet 140162, MedGen C0027672, MeSH D009386, MONDO:0015356.

Submission:

Ambry Genetics
Classification: Uncertain significance for Hereditary cancer-predisposing syndrome. Last evaluated: 2023-05-30. Review status: criteria provided, single submitter. Criteria: Ambry Variant Classification Scheme 2023. Collection method: clinical testing. Allele origin: germline.
Comment: The p.Q397P variant (also known as c.1190A>C), located in coding exon 4 of the AXIN2 gene, results from an A to C substitution at nucleotide position 1190. The glutamine at codon 397 is replaced by proline, an amino acid with similar properties. This amino acid position is conserved. In addition, the in silico prediction for this alteration is inconclusive. Since supporting evidence is limited at this time, the clinical significance of this alteration remains unclear.

NM_004655.4(AXIN2):c.1190A>C (p.Gln397Pro)

Gene: AXIN2 (axin 2; minus strand). Cytogenetic location: 17q24.1.
Variant type: single nucleotide variant.
Coding change: c.1190A>C on transcript NM_004655.4 (MANE Select); coding-DNA position 1190, A replaced by C.
Protein change: p.Gln397Pro; replaces glutamine 397 with proline.
Molecular consequence: missense variant.
Genome position (GRCh38, 1-based): chr17:65,538,213, T>G on the plus strand (A>C on the coding strand, the complement: AXIN2 is on the minus strand). VCF-style: chr17-65538213-T-G. GRCh37 (hg19) VCF-style: chr17-63534331-T-G.
Other names: c.1190A>C, p.Gln397Pro (NM_001363813.1); short protein forms Q397P.
Identifiers: ClinVar variation 2566136 (VCV002566136.2), dbSNP rs774887154, ClinGen allele CA400678143.
Genomic context (GRCh38, chr17:65,538,213, plus strand): 5'-GAGCGCTCACGCCGTGGACGGAAGCAGGAAGAAGGCCTAGGCCGCATTACCTCTCGGATC[T>G]GCTGCAGGCGCTCCTCCAGGCTGTGGCGGCTCTCCAACTCCAGCTTCAGCTTTTCCAGCC-3'
Protein context (NP_004646.3, residues 387-407): SRHSLEERLQ[Gln397Pro]IREDEEREGS